The following is an entry in ClinVar:

ClinVar aggregate classification (germline): Uncertain significance (1 of 4 stars; one submission).

Conditions:
Hereditary cancer-predisposing syndrome. Also called: Neoplastic Syndromes, Hereditary; Tumor predisposition; Hereditary Cancer Syndrome; Hereditary neoplastic syndrome. Identifiers: Orphanet 140162, MedGen C0027672, MeSH D009386, MONDO:0015356.

Submission:

Ambry Genetics
Classification: Uncertain significance for Hereditary cancer-predisposing syndrome. Last evaluated: 2025-07-23. Review status: criteria provided, single submitter. Criteria: Ambry Variant Classification Scheme 2023. Collection method: clinical testing. Allele origin: germline.
Comment: The p.R40C variant (also known as c.118C>T), located in coding exon 1 of the STK11 gene, results from a C to T substitution at nucleotide position 118. The arginine at codon 40 is replaced by cysteine, an amino acid with highly dissimilar properties. This amino acid position is highly conserved in available vertebrate species. In addition, the in silico prediction for this alteration is inconclusive. Based on the available evidence, the clinical significance of this variant remains unclear.

NM_000455.5(STK11):c.118C>T (p.Arg40Cys)

Gene: STK11 (serine/threonine kinase 11; plus strand). Cytogenetic location: 19p13.3.
Variant type: single nucleotide variant.
Coding change: c.118C>T on transcript NM_000455.5 (MANE Select); coding-DNA position 118, C replaced by T.
Protein change: p.Arg40Cys; replaces arginine 40 with cysteine.
Molecular consequence: missense variant. On other transcripts: non-coding transcript variant (1).
Genome position (GRCh38, 1-based): chr19:1,207,031, C>T. VCF-style: chr19-1207031-C-T. GRCh37 (hg19) VCF-style: chr19-1207030-C-T.
Other names: c.118C>T, p.Arg40Cys (NM_001407255.1); short protein forms R40C.
Identifiers: ClinVar variation 4176611 (VCV004176611.1).